The following is an entry in ClinVar:

ClinVar aggregate classification (germline): Uncertain significance. Review status: criteria provided, multiple submitters, no conflicts (2 of 4 stars). 3 submissions from 3 submitters: Uncertain significance (3). Last evaluated 2023-12-27.

Allele frequency attached by ClinVar (database versions not stated): gnomAD exomes 0.00001.

Submissions (3):

Labcorp Genetics (formerly Invitae), Labcorp
Classification: Uncertain significance. Last evaluated: 2023-12-27. Review status: criteria provided, single submitter. Criteria: Invitae Variant Classification Sherloc (09022015). Collection method: clinical testing. Allele origin: germline.
Comment: This sequence change replaces glycine, which is neutral and non-polar, with aspartic acid, which is acidic and polar, at codon 457 of the COL11A2 protein (p.Gly457Asp). This variant is not present in population databases (gnomAD no frequency). This variant has not been reported in the literature in individuals affected with COL11A2-related conditions. ClinVar contains an entry for this variant (Variation ID: 498650). Advanced modeling of protein sequence and biophysical properties (such as structural, functional, and spatial information, amino acid conservation, physicochemical variation, residue mobility, and thermodynamic stability) performed at Invitae indicates that this missense variant is not expected to disrupt COL11A2 protein function with a negative predictive value of 95%. In summary, the available evidence is currently insufficient to determine the role of this variant in disease. Therefore, it has been classified as a Variant of Uncertain Significance.

GeneDx
Classification: Uncertain significance. Last evaluated: 2020-12-11. Review status: criteria provided, single submitter. Criteria: GeneDx Variant Classification Process June 2021. Collection method: clinical testing. Allele origin: germline. Affected: yes.
Comment: Not observed in large population cohorts (Lek et al., 2016); In silico analysis supports that this missense variant has a deleterious effect on protein structure/function; Has not been previously published as pathogenic or benign to our knowledge

Eurofins Ntd Llc (ga)
Classification: Uncertain significance. Last evaluated: 2016-12-05. Review status: criteria provided, single submitter. Criteria: EGL Classification Definitions 2015. Collection method: clinical testing. Allele origin: germline. Observed: 1 variant allele, 1 heterozygote.

NM_080680.3(COL11A2):c.1370G>A (p.Gly457Asp)

Gene: COL11A2 (collagen type XI alpha 2 chain; minus strand). Cytogenetic location: 6p21.32.
Variant type: single nucleotide variant.
Coding change: c.1370G>A on transcript NM_080680.3 (MANE Select); coding-DNA position 1370, G replaced by A.
Protein change: p.Gly457Asp; replaces glycine 457 with aspartic acid.
Molecular consequence: missense variant.
Genome position (GRCh38, 1-based): chr6:33,179,795, C>T on the plus strand (G>A on the coding strand, the complement: COL11A2 is on the minus strand). VCF-style: chr6-33179795-C-T. GRCh37 (hg19) VCF-style: chr6-33147572-C-T.
Other names: c.1049G>A, p.Gly350Asp (NM_080679.3); c.1112G>A, p.Gly371Asp (NM_080681.3); short protein forms G457D, G371D, G350D.
Identifiers: ClinVar variation 498650 (VCV000498650.13), dbSNP rs1554221493, ClinGen allele CA363606077.
Genomic context (GRCh38, chr6:33,179,795, plus strand): 5'-ATCGCCTGGGCCTGAGCCTCCTGGGCCGCCACCACAGGGCCCTTGTCACCCCCACCACTG[C>T]CAAACCGGAACTGAGGTCAAGGAGAGAAGGTCCAGGTTCTCTTCCAAGAAAGCCATGGGA-3'
Protein context (NP_542411.2, residues 447-467): GTSLMLPFRF[Gly457Asp]SGGGDKGPVV